The following is an entry in ClinVar:

NM_032608.7(MYO18B):c.2969G>A (p.Arg990Gln)

Gene: MYO18B (myosin XVIIIB; plus strand). Cytogenetic location: 22q12.1.
Variant type: single nucleotide variant.
Coding change: c.2969G>A on transcript NM_032608.7 (MANE Select); coding-DNA position 2969, G replaced by A.
Protein change: p.Arg990Gln; replaces arginine 990 with glutamine.
Molecular consequence: missense variant.
Genome position (GRCh38, 1-based): chr22:25,828,958, G>A. VCF-style: chr22-25828958-G-A. GRCh37 (hg19) VCF-style: chr22-26224925-G-A.
Other names: c.2969G>A, p.Arg990Gln (NM_001318245.2); short protein forms R990Q.
Identifiers: ClinVar variation 1525817 (VCV001525817.8), dbSNP rs371681388, ClinGen allele CA10160385.

ClinVar aggregate classification (germline): Uncertain significance. Review status: criteria provided, multiple submitters, no conflicts (2 of 4 stars). 3 submissions from 3 submitters: Uncertain significance (3). Last evaluated 2024-05-14.

Conditions:
Inborn genetic diseases. Identifiers: MedGen C0950123, MeSH D030342.

Allele frequency attached by ClinVar (database versions not stated): ExAC 0.00001; gnomAD exomes 0.00001; gnomAD 0.00009 and 0.00012; TOPMed 0.00012.
gnomAD v4.1: 37 of 1,613,900 alleles (0.0023%); highest among the groups gnomAD compares: African/African-American, 0.036%; no homozygotes.

Submissions (3):

Ambry Genetics
Classification: Uncertain significance for Inborn genetic diseases. Last evaluated: 2024-05-14. Review status: criteria provided, single submitter. Criteria: Ambry Variant Classification Scheme 2023. Collection method: clinical testing. Allele origin: germline.

Labcorp Genetics (formerly Invitae), Labcorp
Classification: Uncertain significance. Last evaluated: 2023-07-10. Review status: criteria provided, single submitter. Criteria: Invitae Variant Classification Sherloc (09022015). Collection method: clinical testing. Allele origin: germline.
Comment: Algorithms developed to predict the effect of missense changes on protein structure and function output the following: SIFT: "Not Available"; PolyPhen-2: "Benign"; Align-GVGD: "Not Available". The glutamine amino acid residue is found in multiple mammalian species, which suggests that this missense change does not adversely affect protein function. In summary, the available evidence is currently insufficient to determine the role of this variant in disease. Therefore, it has been classified as a Variant of Uncertain Significance. ClinVar contains an entry for this variant (Variation ID: 1525817). This sequence change replaces arginine, which is basic and polar, with glutamine, which is neutral and polar, at codon 990 of the MYO18B protein (p.Arg990Gln). This variant is present in population databases (rs371681388, gnomAD 0.03%). This variant has not been reported in the literature in individuals affected with MYO18B-related conditions.

GeneDx
Classification: Uncertain significance. Last evaluated: 2022-03-17. Review status: criteria provided, single submitter. Criteria: GeneDx Variant Classification Process June 2021. Collection method: clinical testing. Allele origin: germline. Affected: yes.
Comment: In silico analysis supports that this missense variant has a deleterious effect on protein structure/function; Has not been previously published as pathogenic or benign to our knowledge